The following is an entry in ClinVar:

ClinVar aggregate classification (germline): Uncertain significance (1 of 4 stars; one submission).

Conditions:
Hereditary cancer-predisposing syndrome. Also called: Neoplastic Syndromes, Hereditary; Tumor predisposition; Hereditary Cancer Syndrome; Hereditary neoplastic syndrome. Identifiers: Orphanet 140162, MedGen C0027672, MeSH D009386, MONDO:0015356.

Submission:

Ambry Genetics
Classification: Uncertain significance for Hereditary cancer-predisposing syndrome. Last evaluated: 2025-09-14. Review status: criteria provided, single submitter. Criteria: Ambry Variant Classification Scheme 2023. Collection method: clinical testing. Allele origin: germline.
Comment: The p.L198I variant (also known as c.592C>A), located in coding exon 4 of the SUFU gene, results from a C to A substitution at nucleotide position 592. The leucine at codon 198 is replaced by isoleucine, an amino acid with highly similar properties. This amino acid position is conserved. In addition, the in silico prediction for this alteration is inconclusive. Based on the available evidence, the clinical significance of this variant remains unclear.

NM_016169.4(SUFU):c.592C>A (p.Leu198Ile)

Gene: SUFU (SUFU negative regulator of hedgehog signaling; plus strand). Cytogenetic location: 10q24.32.
Variant type: single nucleotide variant.
Coding change: c.592C>A on transcript NM_016169.4 (MANE Select); coding-DNA position 592, C replaced by A.
Protein change: p.Leu198Ile; replaces leucine 198 with isoleucine.
Molecular consequence: missense variant.
Genome position (GRCh38, 1-based): chr10:102,592,719, C>A. VCF-style: chr10-102592719-C-A. GRCh37 (hg19) VCF-style: chr10-104352476-C-A.
Other names: c.592C>A, p.Leu198Ile (NM_001178133.2); short protein forms L198I.
Identifiers: ClinVar variation 4177564 (VCV004177564.1).